The following is an entry in ClinVar:

ClinVar aggregate classification (germline): Likely benign (1 of 4 stars; one submission).

Allele frequency attached by ClinVar (database versions not stated): gnomAD exomes 0.00001; TOPMed 0.00001; ExAC 0.00002; gnomAD 0.00002.

Submission:

CeGaT Center for Human Genetics Tuebingen
Classification: Likely benign. Last evaluated: 2022-11-01. Review status: criteria provided, single submitter. Criteria: CeGaT Center For Human Genetics Tuebingen Variant Classification Criteria Version 2. Collection method: clinical testing. Allele origin: germline. Affected: yes. Observed: 1 variant allele.
Comment: MAPK11: BP4, BP7

NM_002751.7(MAPK11):c.882C>T (p.Asp294=)

Gene: MAPK11 (mitogen-activated protein kinase 11; minus strand). Cytogenetic location: 22q13.33.
Variant type: single nucleotide variant.
Coding change: c.882C>T on transcript NM_002751.7 (MANE Select); coding-DNA position 882, C replaced by T.
Protein change: p.Asp294=; no amino-acid change (aspartic acid 294 retained).
Molecular consequence: synonymous variant. On other transcripts: non-coding transcript variant (1).
Genome position (GRCh38, 1-based): chr22:50,265,454, G>A on the plus strand (C>T on the coding strand, the complement: MAPK11 is on the minus strand). VCF-style: chr22-50265454-G-A. GRCh37 (hg19) VCF-style: chr22-50703883-G-A.
Other names: c.882C>T, p.Asp294= (NM_138993.2).
Identifiers: ClinVar variation 2653373 (VCV002653373.24), dbSNP rs764911184, ClinGen allele CA10310977.